The following is an entry in ClinVar:

ClinVar aggregate classification (germline): Uncertain significance (1 of 4 stars; one submission).

Conditions:
Inborn genetic diseases. Identifiers: MedGen C0950123, MeSH D030342.

gnomAD v4.1: 1 of 1,607,994 alleles (0.000062%); highest among the groups gnomAD compares: African/African-American, 0.0013%; no homozygotes.

Submission:

Ambry Genetics
Classification: Uncertain significance for Inborn genetic diseases. Last evaluated: 2026-07-06. Review status: criteria provided, single submitter. Criteria: Ambry Variant Classification Scheme 2023. Collection method: clinical testing. Allele origin: germline.
Comment: The p.V158F variant (also known as c.472G>T), located in coding exon 5 of the ETV6 gene, results from a G to T substitution at nucleotide position 472. The valine at codon 158 is replaced by phenylalanine, an amino acid with highly similar properties. This amino acid position is conserved. In addition, this alteration is predicted to be tolerated by in silico analysis. Based on the available evidence, the clinical significance of this variant remains unclear.

NM_001987.5(ETV6):c.472G>T (p.Val158Phe)

Gene: ETV6 (ETS variant transcription factor 6; plus strand). Cytogenetic location: 12p13.2.
Variant type: single nucleotide variant.
Coding change: c.472G>T on transcript NM_001987.5 (MANE Select); coding-DNA position 472, G replaced by T.
Protein change: p.Val158Phe; replaces valine 158 with phenylalanine.
Molecular consequence: missense variant.
Genome position (GRCh38, 1-based): chr12:11,869,432, G>T. VCF-style: chr12-11869432-G-T. GRCh37 (hg19) VCF-style: chr12-12022366-G-T.
Other names: c.469G>T, p.Val157Phe (NM_001413913.1); c.445G>T, p.Val149Phe (NM_001413914.1); c.208G>T, p.Val70Phe (NM_001413915.1); c.472G>T, p.Val158Phe (NM_001413916.1, NM_001413917.1); short protein forms V70F, V149F, V157F, V158F.
Identifiers: ClinVar variation 5036169 (VCV005036169.1).